The following is an entry in ClinVar:

ClinVar aggregate classification (germline): Conflicting classifications of pathogenicity. Review status: criteria provided, conflicting classifications (1 of 4 stars). 4 submissions from 4 submitters: Uncertain significance (3); Likely benign (1). Last evaluated 2026-05-13.

Conditions:
Cone dystrophy 4 (COD4). Identifiers: Orphanet 49382, MedGen C2751308, MONDO:0013129, OMIM 613093.
PDE6C-related disorder. Also called: PDE6C-related condition.

Allele frequency attached by ClinVar (database versions not stated): ExAC 0.00018; gnomAD exomes 0.00022 and 0.00033; gnomAD 0.00025 and 0.00029; TOPMed 0.00030; 1000 Genomes Project 0.00060; ESP Exome Variant Server 0.00062; 1000 Genomes Project 30x 0.00109.
gnomAD v4.1: 525 of 1,613,666 alleles (0.033%); highest among the groups gnomAD compares: Admixed American, 0.05%; no homozygotes.

Submissions (4):

PreventionGenetics, part of Exact Sciences
Classification: Uncertain significance for PDE6C-related condition. Last evaluated: 2026-05-13. Review status: criteria provided, single submitter. Criteria: ACMG Guidelines, 2015. Collection method: clinical testing. Allele origin: germline.
Comment: The PDE6C c.1339A>G variant is predicted to result in the amino acid substitution p.Asn447Asp. This variant was reported, along with a second missense variant, in an individual with cone/cone-rod dystrophy (Hitti-Malin et al. 2022. PubMed ID: 36259723). This variant is reported in 0.034% of alleles in individuals of European (Non-Finnish) descent in gnomAD. At this time, the clinical significance of this variant is uncertain due to the absence of conclusive functional and genetic evidence.

Blueprint Genetics
Classification: Likely benign. Last evaluated: 2024-08-15. Review status: criteria provided, single submitter. Criteria: ACMG Guidelines, 2015. Collection method: clinical testing. Allele origin: germline.

Labcorp Genetics (formerly Invitae), Labcorp
Classification: Uncertain significance. Last evaluated: 2024-01-19. Review status: criteria provided, single submitter. Criteria: Invitae Variant Classification Sherloc (09022015). Collection method: clinical testing. Allele origin: germline.
Comment: This sequence change replaces asparagine, which is neutral and polar, with aspartic acid, which is acidic and polar, at codon 447 of the PDE6C protein (p.Asn447Asp). This variant is present in population databases (rs139309656, gnomAD 0.03%). This missense change has been observed in individual(s) with Stargardt disease (PMID: 36259723). ClinVar contains an entry for this variant (Variation ID: 848585). Advanced modeling of protein sequence and biophysical properties (such as structural, functional, and spatial information, amino acid conservation, physicochemical variation, residue mobility, and thermodynamic stability) performed at Invitae indicates that this missense variant is not expected to disrupt PDE6C protein function with a negative predictive value of 80%. In summary, the available evidence is currently insufficient to determine the role of this variant in disease. Therefore, it has been classified as a Variant of Uncertain Significance.

Department of Pathology and Laboratory Medicine, Sinai Health System
Classification: Uncertain significance for Cone dystrophy 4. Last evaluated: 2023-04-28. Review status: criteria provided, single submitter. Criteria: ACMG Guidelines, 2015. Collection method: research. Allele origin: germline.

Literature cited by the submitters: PubMed 36259723 (cited by Labcorp Genetics (formerly Invitae), Labcorp).

NM_006204.4(PDE6C):c.1339A>G (p.Asn447Asp)

Gene: PDE6C (phosphodiesterase 6C; plus strand). Cytogenetic location: 10q23.33.
Variant type: single nucleotide variant.
Coding change: c.1339A>G on transcript NM_006204.4 (MANE Select); coding-DNA position 1339, A replaced by G.
Protein change: p.Asn447Asp; replaces asparagine 447 with aspartic acid.
Molecular consequence: missense variant.
Genome position (GRCh38, 1-based): chr10:93,635,566, A>G. VCF-style: chr10-93635566-A-G. GRCh37 (hg19) VCF-style: chr10-95395323-A-G.
Other names: short protein forms N447D.
Identifiers: ClinVar variation 848585 (VCV000848585.9), dbSNP rs139309656, ClinGen allele CA5610152.